The following continues an entry in ClinVar:

NM_001042492.3(NF1):c.4600C>T (p.Arg1534Ter)

Gene: NF1. ClinVar aggregate classification (germline): Pathogenic/Likely pathogenic. Pathogenic (37); Likely pathogenic (2). ClinVar aggregate classification (somatic clinical impact): Tier I - Strong. ClinVar aggregate classification (oncogenicity): Oncogenic.

Submissions 38 to 44 of 44:

Ambry Genetics
Classification: Pathogenic for Hereditary cancer-predisposing syndrome. Last evaluated: 2016-01-18. Review status: criteria provided, single submitter. Criteria: Ambry Autosomal Dominant and X-Linked criteria (10/2015). Collection method: clinical testing. Allele origin: germline. Observed: 1 variant allele.
Comment: The p.R1534* pathogenic mutation (also known as c.4600C>T), located in coding exon 35 of the NF1 gene, results from a C to T substitution at nucleotide position 4600. This changes the amino acid from an arginine to a stop codon within coding exon 35. In addition to the clinical information presented in the literature, since premature stop codons are typically deleterious in nature, this alteration is interpreted as a disease-causing mutation (ACMG Recommendations for Standards for Interpretation and Reporting of Sequence Variations. Revision 2007. Genet Med. 2008;10:294).<span style="background-color:initial">This mutation is also known as p.R1513* (c.4537C>T) in published literature.

Centre for Mendelian Genomics, University Medical Centre Ljubljana
Classification: Likely pathogenic for Cafe au lait spots, multiple; Subcutaneous neurofibroma; Thoracic scoliosis. Last evaluated: 2014-09-29. Review status: criteria provided, single submitter. Criteria: ACMG Guidelines, 2015. Collection method: clinical testing. Allele origin: unknown. Affected: yes.

Juno Genomics, Hangzhou Juno Genomics, Inc
Classification: Pathogenic for Neurofibromatosis, type 1. Review status: criteria provided, single submitter. Criteria: ACMG Guidelines, 2015. Collection method: clinical testing. Allele origin: germline. Affected: yes.
Comment: Absent from controls (or at extremely low frequency if recessive) in Genome Aggregation Database, Exome Sequencing Project, 1000 Genomes Project, or Exome Aggregation Consortium.;Null variant in a gene where loss of function (LOF) is a known mechanism of disease.;The prevalence of the variant in affected individuals is significantly increased compared to the prevalence in controls.;Assumed de novo, but without confirmation of paternity and maternity.;Patient's phenotype or family history is highly specific for a disease with a single genetic etiology.

Laboratoire de Génétique Moléculaire, CHU Bordeaux
Classification: Pathogenic. Review status: criteria provided, single submitter. Criteria: ACMG Guidelines, 2015. Collection method: clinical testing. Allele origin: germline. Affected: yes.

Laboratory for Genotyping Development, RIKEN
Classification: Pathogenic for Gastric cancer. Last evaluated: 2021-07-01. Review status: no assertion criteria provided. Collection method: research. Allele origin: germline. Not counted in ClinVar's aggregate classification.

Clinical Molecular Genetics Laboratory, Johns Hopkins All Children's Hospital
Classification: Pathogenic for Neurofibromatosis, type 1. Last evaluated: 2017-05-18. Review status: no assertion criteria provided. Collection method: clinical testing. Allele origin: germline. Affected: yes. Not counted in ClinVar's aggregate classification.

Laboratori Clínic ICS Lleida, Hospital Universitari Arnau de Vilanova
Classification: Pathogenic for Neurofibromatosis, type 1. Review status: no assertion criteria provided. Collection method: clinical testing. Allele origin: inherited. Inheritance: Autosomal dominant inheritance. Affected: yes. Observed: 6 variant alleles, 6 heterozygotes. Clinical features observed: Neurofibroma (HP:0001067), Cafe-au-lait spot (HP:0000957), Pheochromocytoma (HP:0002666). Not counted in ClinVar's aggregate classification.
Comment: We report the c.4537C>T (p.Arg1513*) in our family study because this variant it's associated with pheochromocytoma and GIST tumor

Literature cited by the submitters: PubMed 10712197 (cited by 4 submitters); PubMed 23913538 (cited by Labcorp Genetics (formerly Invitae), Labcorp); PubMed 9180088 (cited by 10 submitters); PubMed 16479075 (cited by 4 submitters); PubMed 21354044 (cited by 3 submitters); PubMed 23668869 (cited by 6 submitters); PubMed 26969325 (cited by 4 submitters); PubMed 31533797 (cited by Dasa and The Laboratory of Genetics and Metabolism, Hunan Children’s Hospital); PubMed 33344560 (cited by 3 submitters); PubMed 37073110 (cited by Dasa); PubMed 34046057 (cited by Center for Genomic Medicine, Rigshospitalet, Copenhagen University Hospital); PubMed 14517963 (cited by Ambry Genetics); PubMed 30530636 (cited by 5 submitters); PubMed 31776437 (cited by Ambry Genetics); PubMed 16757948 (cited by Centro Nacional de Genética Medica, Administración Nacional de Laboratorios e Institutos de Salud (ANLIS) “Dr. Carlos G Malbrán”); PubMed 17352659 (cited by Centro Nacional de Genética Medica, Administración Nacional de Laboratorios e Institutos de Salud (ANLIS) “Dr. Carlos G Malbrán”); PubMed 1757093 (cited by Centro Nacional de Genética Medica, Administración Nacional de Laboratorios e Institutos de Salud (ANLIS) “Dr. Carlos G Malbrán”); PubMed 1302608 (cited by Centro Nacional de Genética Medica, Administración Nacional de Laboratorios e Institutos de Salud (ANLIS) “Dr. Carlos G Malbrán”); PubMed 34427956 (cited by Centro Nacional de Genética Medica, Administración Nacional de Laboratorios e Institutos de Salud (ANLIS) “Dr. Carlos G Malbrán” and Quest Diagnostics Nichols Institute San Juan Capistrano); PubMed 17551851 (cited by 3 submitters); PubMed 12112660 (cited by Centro Nacional de Genética Medica, Administración Nacional de Laboratorios e Institutos de Salud (ANLIS) “Dr. Carlos G Malbrán”); PubMed 18484666 (cited by Centro Nacional de Genética Medica, Administración Nacional de Laboratorios e Institutos de Salud (ANLIS) “Dr. Carlos G Malbrán”); PubMed 30308447 (cited by Division of Genetic & Genomic Pathology, Hong Kong Children's Hospital); PubMed 31533651 (cited by Quest Diagnostics Nichols Institute San Juan Capistrano and Sema4); PubMed 14722917 (cited by Quest Diagnostics Nichols Institute San Juan Capistrano and Athena Diagnostics); PubMed 16941471 (cited by Quest Diagnostics Nichols Institute San Juan Capistrano and Athena Diagnostics); PubMed 17209131 (cited by Quest Diagnostics Nichols Institute San Juan Capistrano and Athena Diagnostics); PubMed 17914445 (cited by Quest Diagnostics Nichols Institute San Juan Capistrano and Athena Diagnostics); PubMed 25240281 (cited by Quest Diagnostics Nichols Institute San Juan Capistrano and Athena Diagnostics); PubMed 32642724 (cited by Institute for Genomic Medicine (IGM) Clinical Laboratory, Nationwide Children's Hospital); PubMed 34131647 (cited by Institute for Genomic Medicine (IGM) Clinical Laboratory, Nationwide Children's Hospital); PubMed 34952640 (cited by Institute for Genomic Medicine (IGM) Clinical Laboratory, Nationwide Children's Hospital); PubMed 27838393 (cited by Victorian Clinical Genetics Services, Murdoch Childrens Research Institute); PubMed 31370276 (cited by Sema4); PubMed 10678181 (cited by Women's Health and Genetics/Laboratory Corporation of America, LabCorp); PubMed 23460398 (cited by Women's Health and Genetics/Laboratory Corporation of America, LabCorp); PubMed 29872168 (cited by Women's Health and Genetics/Laboratory Corporation of America, LabCorp); PubMed 27069254 (cited by Women's Health and Genetics/Laboratory Corporation of America, LabCorp); PubMed 31717729 (cited by Women's Health and Genetics/Laboratory Corporation of America, LabCorp); PubMed 36988593 (cited by Laboratory for Genotyping Development, RIKEN).